The following is an entry in ClinVar:

NM_194248.3(OTOF):c.2197C>T (p.His733Tyr)

Gene: OTOF (otoferlin; minus strand). Cytogenetic location: 2p23.3.
Variant type: single nucleotide variant.
Coding change: c.2197C>T on transcript NM_194248.3 (MANE Select); coding-DNA position 2197, C replaced by T.
Protein change: p.His733Tyr; replaces histidine 733 with tyrosine.
Molecular consequence: missense variant.
Genome position (GRCh38, 1-based): chr2:26,479,281, G>A on the plus strand (C>T on the coding strand, the complement: OTOF is on the minus strand). VCF-style: chr2-26479281-G-A. GRCh37 (hg19) VCF-style: chr2-26702149-G-A.
Other names: c.2197C>T, p.His733Tyr (NM_001287489.2); short protein forms H733Y.
Identifiers: ClinVar variation 4795257 (VCV004795257.1).

ClinVar aggregate classification (germline): Uncertain significance (1 of 4 stars; one submission).

Submission:

GeneDx
Classification: Uncertain significance. Last evaluated: 2025-08-16. Review status: criteria provided, single submitter. Criteria: GeneDx Variant Classification Process June 2021. Collection method: clinical testing. Allele origin: germline. Affected: yes.
Comment: Not observed at significant frequency in large population cohorts (gnomAD); In silico analysis suggests that this missense variant does not alter protein structure/function; Has not been previously published as pathogenic or benign to our knowledge